The following is an entry in ClinVar:

ClinVar aggregate classification (germline): Uncertain significance. Review status: criteria provided, multiple submitters, no conflicts (2 of 4 stars). 6 submissions from 6 submitters: Uncertain significance (6). Last evaluated 2026-08-17.

Conditions:
TECTA-related disorder. Also called: TECTA-related condition.

Allele frequency attached by ClinVar (database versions not stated): gnomAD exomes 0.00004 and 0.00005; ExAC 0.00005; gnomAD 0.00006 and 0.00007; TOPMed 0.00008; 1000 Genomes Project 0.00020; 1000 Genomes Project 30x 0.00031.
gnomAD v4.1: 88 of 1,614,142 alleles (0.0055%); highest among the groups gnomAD compares: South Asian, 0.0088%; 1 homozygote.

Submissions (6):

PreventionGenetics, part of Exact Sciences
Classification: Uncertain significance for TECTA-related condition. Last evaluated: 2026-08-17. Review status: criteria provided, single submitter. Criteria: ACMG Guidelines, 2015. Collection method: clinical testing. Allele origin: germline.
Comment: The TECTA c.5861C>T variant is predicted to result in the amino acid substitution p.Thr1954Met. To our knowledge, this variant has not been reported in the literature. This variant is reported in 0.018% of alleles in individuals of African descent in gnomAD. At this time, the clinical significance of this variant is uncertain due to the absence of conclusive functional and genetic evidence.

Blueprint Genetics
Classification: Uncertain significance. Last evaluated: 2024-08-30. Review status: criteria provided, single submitter. Criteria: ACMG Guidelines, 2015. Collection method: clinical testing. Allele origin: germline.

CeGaT Center for Human Genetics Tuebingen
Classification: Uncertain significance. Last evaluated: 2024-03-01. Review status: criteria provided, single submitter. Criteria: CeGaT Center For Human Genetics Tuebingen Variant Classification Criteria Version 2. Collection method: clinical testing. Allele origin: germline. Affected: yes. Observed: 1 variant allele.
Comment: TECTA: PM2, PP3

Labcorp Genetics (formerly Invitae), Labcorp
Classification: Uncertain significance. Last evaluated: 2023-06-10. Review status: criteria provided, single submitter. Criteria: Invitae Variant Classification Sherloc (09022015). Collection method: clinical testing. Allele origin: germline.
Comment: In summary, the available evidence is currently insufficient to determine the role of this variant in disease. Therefore, it has been classified as a Variant of Uncertain Significance. Advanced modeling of protein sequence and biophysical properties (such as structural, functional, and spatial information, amino acid conservation, physicochemical variation, residue mobility, and thermodynamic stability) has been performed at Invitae for this missense variant, however the output from this modeling did not meet the statistical confidence thresholds required to predict the impact of this variant on TECTA protein function. ClinVar contains an entry for this variant (Variation ID: 165371). This variant has not been reported in the literature in individuals affected with TECTA-related conditions. This variant is present in population databases (rs542600464, gnomAD 0.02%). This sequence change replaces threonine, which is neutral and polar, with methionine, which is neutral and non-polar, at codon 1954 of the TECTA protein (p.Thr1954Met).

ARUP Laboratories, Molecular Genetics and Genomics, ARUP Laboratories
Classification: Uncertain significance. Last evaluated: 2016-08-29. Review status: criteria provided, single submitter. Criteria: ARUP Molecular Germline Variant Investigation Process. Collection method: clinical testing. Allele origin: germline.

Laboratory for Molecular Medicine, Mass General Brigham Personalized Medicine
Classification: Uncertain significance. Last evaluated: 2014-02-04. Review status: criteria provided, single submitter. Criteria: LMM Criteria. Collection method: clinical testing. Allele origin: germline. Observed: 1 variant allele.
Comment: The Thr1954Met variant in TECTA has not been previously reported in individuals with hearing loss or in large population studies. Computational analyses (bioche mical amino acid properties, conservation, AlignGVGD, PolyPhen2, and SIFT) sugge st that the Thr1954Met variant may impact the protein, though this information i s not predictive enough to determine pathogenicity. In summary, additional info rmation is needed to determine the clinical significance of this variant.

NM_005422.4(TECTA):c.5861C>T (p.Thr1954Met)

Genes: TBCEL-TECTA (TBCEL-TECTA readthrough; plus strand), TECTA (tectorin alpha; plus strand). Cytogenetic location: 11q23.3.
Variant type: single nucleotide variant.
Coding change: c.5861C>T on transcript NM_005422.4 (MANE Select); coding-DNA position 5861, C replaced by T.
Protein change: p.Thr1954Met; replaces threonine 1954 with methionine.
Molecular consequence: missense variant.
Genome position (GRCh38, 1-based): chr11:121,168,787, C>T. VCF-style: chr11-121168787-C-T. GRCh37 (hg19) VCF-style: chr11-121039496-C-T.
Other names: c.6803C>T, p.Thr2268Met (NM_001378761.1); short protein forms T1954M, T2268M.
Identifiers: ClinVar variation 165371 (VCV000165371.39), dbSNP rs542600464, ClinGen allele CA178115.